The following is an entry in ClinVar:

NM_001346249.2(RALGAPA1):c.5452C>T (p.Pro1818Ser)

Gene: RALGAPA1 (Ral GTPase activating protein catalytic subunit alpha 1; minus strand). Cytogenetic location: 14q13.2.
Variant type: single nucleotide variant.
Coding change: c.5452C>T on transcript NM_001346249.2 (MANE Select); coding-DNA position 5452, C replaced by T.
Protein change: p.Pro1818Ser; replaces proline 1818 with serine.
Molecular consequence: missense variant.
Genome position (GRCh38, 1-based): chr14:35,655,851, G>A on the plus strand (C>T on the coding strand, the complement: RALGAPA1 is on the minus strand). VCF-style: chr14-35655851-G-A. GRCh37 (hg19) VCF-style: chr14-36125057-G-A.
Other names: c.3973C>T, p.Pro1325Ser (NM_001283043.3); c.4075C>T, p.Pro1359Ser (NM_001283044.3, NM_001346245.2, NM_001346247.2); c.5311C>T, p.Pro1771Ser (NM_001330075.3, NM_001346248.2); c.3934C>T, p.Pro1312Ser (NM_001346243.2, NM_001346246.2, NM_014990.3 and 1 more transcripts); short protein forms P1312S, P1325S, P1359S, P1771S, P1818S.
Identifiers: ClinVar variation 2574356 (VCV002574356.1), dbSNP rs2550073175, ClinGen allele CA389455907.

ClinVar aggregate classification (germline): Uncertain significance (1 of 4 stars; one submission).

Submission:

GeneDx
Classification: Uncertain significance. Last evaluated: 2023-01-24. Review status: criteria provided, single submitter. Criteria: GeneDx Variant Classification Process June 2021. Collection method: clinical testing. Allele origin: germline. Affected: yes.
Comment: Not observed at significant frequency in large population cohorts (gnomAD); In silico analysis supports that this missense variant has a deleterious effect on protein structure/function; Has not been previously published as pathogenic or benign to our knowledge